The following is an entry in ClinVar:

ClinVar aggregate classification (germline): Pathogenic/Likely pathogenic. Review status: criteria provided, multiple submitters, no conflicts (2 of 4 stars). 4 submissions from 4 submitters: Pathogenic (3); Likely pathogenic (1). Last evaluated 2023-11-16.

Conditions:
Familial adenomatous polyposis 3. Also called: NTHL1-Related Adenomatous Polyposis and Colorectal Cancer; NTHL1-associated polyposis; NTHL1-related attenuated familial adenomatous polyposis; NTHL1 Tumor Syndrome. Identifiers: Orphanet 220460, Orphanet 454840, MedGen C4225157, MONDO:0014630, OMIM 616415.
Hereditary cancer-predisposing syndrome. Also called: Tumor predisposition; Neoplastic Syndromes, Hereditary; Hereditary Cancer Syndrome; Hereditary neoplastic syndrome. Identifiers: Orphanet 140162, MedGen C0027672, MeSH D009386, MONDO:0015356.

Allele frequency attached by ClinVar (database versions not stated): gnomAD 0.00001.
gnomAD v4.1: 1 of 1,611,618 alleles (0.000062%); highest among the groups gnomAD compares: African/African-American, 0.0013%; no homozygotes.

Submissions (4):

Ambry Genetics
Classification: Pathogenic for Hereditary cancer-predisposing syndrome. Last evaluated: 2023-11-16. Review status: criteria provided, single submitter. Criteria: Ambry Variant Classification Scheme 2023. Collection method: clinical testing. Allele origin: germline.
Comment: The p.Q166* variant (also known as c.496C>T), located in coding exon 3 of the NTHL1 gene, results from a C to T substitution at nucleotide position 496. This changes the amino acid from a glutamine to a stop codon within coding exon 3. This alteration is expected to result in loss of function by premature protein truncation or nonsense-mediated mRNA decay. As such, this alteration is interpreted as a disease-causing mutation.

Myriad Genetics, Inc.
Classification: Pathogenic for Familial adenomatous polyposis 3. Last evaluated: 2023-09-05. Review status: criteria provided, single submitter. Criteria: Myriad Autosomal Dominant, Autosomal Recessive and X-Linked Classification Criteria (2023). Collection method: clinical testing. Allele origin: unknown.
Comment: This variant is considered pathogenic. This variant creates a termination codon and is predicted to result in premature protein truncation.

Baylor Genetics
Classification: Likely pathogenic for Familial adenomatous polyposis 3. Last evaluated: 2023-06-02. Review status: criteria provided, single submitter. Criteria: ACMG Guidelines, 2015. Collection method: clinical testing. Allele origin: unknown.

Labcorp Genetics (formerly Invitae), Labcorp
Classification: Pathogenic. Last evaluated: 2022-02-11. Review status: criteria provided, single submitter. Criteria: Invitae Variant Classification Sherloc (09022015). Collection method: clinical testing. Allele origin: germline.
Comment: For these reasons, this variant has been classified as Pathogenic. ClinVar contains an entry for this variant (Variation ID: 654258). This variant has not been reported in the literature in individuals affected with NTHL1-related conditions. The frequency data for this variant in the population databases is considered unreliable, as metrics indicate poor data quality at this position in the gnomAD database. This sequence change creates a premature translational stop signal (p.Gln166*) in the NTHL1 gene. It is expected to result in an absent or disrupted protein product. Loss-of-function variants in NTHL1 are known to be pathogenic (PMID: 25938944, 26559593).

Literature cited by the submitters: PubMed 25938944 (cited by Labcorp Genetics (formerly Invitae), Labcorp); PubMed 26559593 (cited by Labcorp Genetics (formerly Invitae), Labcorp).

NM_002528.7(NTHL1):c.472C>T (p.Gln158Ter)

Gene: NTHL1 (nth like DNA glycosylase 1; minus strand). Cytogenetic location: 16p13.3.
Variant type: single nucleotide variant.
Coding change: c.472C>T on transcript NM_002528.7 (MANE Select); coding-DNA position 472, C replaced by T.
Protein change: p.Gln158Ter; replaces glutamine 158 with a stop codon.
Molecular consequence: nonsense. On other transcripts: intron variant (1).
Genome position (GRCh38, 1-based): chr16:2,044,683, G>A on the plus strand (C>T on the coding strand, the complement: NTHL1 is on the minus strand). VCF-style: chr16-2044683-G-A. GRCh37 (hg19) VCF-style: chr16-2094684-G-A.
Other names: c.472C>T, p.Gln158Ter (LRG_1366t1); c.142C>T, p.Gln48Ter (NM_001318194.2); c.355-957C>T (NM_001318193.2); short protein forms Q158*, Q48*.
Identifiers: ClinVar variation 654258 (VCV000654258.15), dbSNP rs1198246754, ClinGen allele CA394294221.
Genomic context (GRCh38, chr16:2,044,683, plus strand): 5'-GGCTCACCCTCCAGAAACCGACGGGGTAGATGAGCTTGCCCAGCGTGGCATCATCTGTCT[G>A]CAGGATGCTGTCCACCGTCAGGCCCCGCGCCCGCAGTCGCTGCATGGCGCCCGCCGTCAC-3'